The following is an entry in ClinVar:

NM_002471.4(MYH6):c.35C>T (p.Ala12Val)

Genes: MYH6 (myosin heavy chain 6; minus strand), LOC114827851 (VISTA enhancer hs2155; plus strand). Cytogenetic location: 14q11.2.
Variant type: single nucleotide variant.
Coding change: c.35C>T on transcript NM_002471.4 (MANE Select); coding-DNA position 35, C replaced by T.
Protein change: p.Ala12Val; replaces alanine 12 with valine.
Molecular consequence: missense variant.
Genome position (GRCh38, 1-based): chr14:23,407,189, G>A on the plus strand (C>T on the coding strand, the complement: MYH6 is on the minus strand). VCF-style: chr14-23407189-G-A. GRCh37 (hg19) VCF-style: chr14-23876398-G-A.
Other names: short protein forms A12V.
Identifiers: ClinVar variation 537952 (VCV000537952.10), dbSNP rs562487638, ClinGen allele CA7116276.

ClinVar aggregate classification (germline): Uncertain significance. Review status: criteria provided, multiple submitters, no conflicts (2 of 4 stars). 4 submissions from 4 submitters: Uncertain significance (4). Last evaluated 2026-08-21.

Conditions:
MYH6-related disorder. Also called: MYH6-Related Disorders; MYH6-related condition.
Cardiovascular phenotype. Identifiers: MedGen CN230736.
Hypertrophic cardiomyopathy 14. Identifiers: MedGen C2750467, MONDO:0013197, OMIM 613251.

Allele frequency attached by ClinVar (database versions not stated): gnomAD exomes below 0.00001; ExAC 0.00001; gnomAD 0.00001; TOPMed 0.00002.
gnomAD v4.1: 8 of 1,614,116 alleles (0.0005%); highest among the groups gnomAD compares: African/African-American, 0.0027%; no homozygotes.

Submissions (4):

GeneDx
Classification: Uncertain significance. Last evaluated: 2026-08-21. Review status: criteria provided, single submitter. Criteria: GeneDx Variant Classification Process June 2021. Collection method: clinical testing. Allele origin: germline.
Comment: Not observed at significant frequency in large population cohorts (gnomAD); In silico analysis supports that this missense variant has a deleterious effect on protein structure/function; This variant is associated with the following publications: (PMID: 28323875, 33180749)

PreventionGenetics, part of Exact Sciences
Classification: Uncertain significance for MYH6-related condition. Last evaluated: 2025-09-15. Review status: criteria provided, single submitter. Criteria: ACMG Guidelines, 2015. Collection method: clinical testing. Allele origin: germline.
Comment: The MYH6 c.35C>T variant is predicted to result in the amino acid substitution p.Ala12Val. This variant has been reported in an individual with severe right ventricular hypertrophy who also harbored additional variants in other cardiomyopathy-associated genes (Table 3, Guo et al. 2017. PubMed ID: 28323875). This variant is reported in 0.0062% of alleles in individuals of African descent in gnomAD. At this time, the clinical significance of this variant is uncertain due to the absence of conclusive functional and genetic evidence.

Labcorp Genetics (formerly Invitae), Labcorp
Classification: Uncertain significance for Hypertrophic cardiomyopathy 14. Last evaluated: 2025-05-12. Review status: criteria provided, single submitter. Criteria: Invitae Variant Classification Sherloc (09022015). Collection method: clinical testing. Allele origin: germline.
Comment: This sequence change replaces alanine, which is neutral and non-polar, with valine, which is neutral and non-polar, at codon 12 of the MYH6 protein (p.Ala12Val). This variant is present in population databases (rs562487638, gnomAD 0.007%). This missense change has been observed in individuals with hypertrophic cardiomyopathy (PMID: 28323875). ClinVar contains an entry for this variant (Variation ID: 537952). Invitae Evidence Modeling of protein sequence and biophysical properties (such as structural, functional, and spatial information, amino acid conservation, physicochemical variation, residue mobility, and thermodynamic stability) indicates that this missense variant is expected to disrupt MYH6 protein function with a positive predictive value of 80%. In summary, the available evidence is currently insufficient to determine the role of this variant in disease. Therefore, it has been classified as a Variant of Uncertain Significance.

Ambry Genetics
Classification: Uncertain significance for Cardiovascular phenotype. Last evaluated: 2024-07-01. Review status: criteria provided, single submitter. Criteria: Ambry Variant Classification Scheme 2023. Collection method: clinical testing. Allele origin: germline.
Comment: The p.A12V variant (also known as c.35C>T), located in coding exon 1 of the MYH6 gene, results from a C to T substitution at nucleotide position 35. The alanine at codon 12 is replaced by valine, an amino acid with similar properties. This amino acid position is highly conserved in available vertebrate species. In addition, the in silico prediction for this alteration is inconclusive. Based on the available evidence, the clinical significance of this variant remains unclear.

Literature cited by the submitters: PubMed 28323875 (cited by Labcorp Genetics (formerly Invitae), Labcorp and Ambry Genetics).